The following is an entry in ClinVar:

GRCh38/hg38 5p13.2(chr5:37032545-37037174)x1

Gene: NIPBL (NIPBL cohesin loading factor; plus strand). Cytogenetic location: 5p13.2.
Variant type: copy number loss.
Change: copy number 1 (one copy instead of two) of chr5:37,032,545-37,037,174 (4.6 kb, GRCh38 coordinates, 1-based), cytogenetic band 5p13.2.
Identifiers: ClinVar variation 3571448 (VCV003571448.1).

ClinVar aggregate classification (germline): Pathogenic (1 of 4 stars; one submission).

Conditions:
Cornelia de Lange syndrome 1 (CDLS1). Also called: TYPUS DEGENERATIVUS AMSTELODAMENSIS; Brachmann de Lange syndrome; NIPBL-Related Cornelia de Lange Syndrome. Identifiers: Orphanet 199, MedGen C4551851, MONDO:0007387, OMIM 122470.

Submission:

Broad Center for Mendelian Genomics, Broad Institute of MIT and Harvard
Classification: Pathogenic for Cornelia de Lange syndrome 1. Last evaluated: 2024-12-09. Review status: criteria provided, single submitter. Criteria: ACMG/ClinGen CNV Guidelines, 2019. Collection method: research. Allele origin: de novo. Inheritance: Autosomal dominant inheritance. Affected: yes. Study: GREGoR Consortium.
Comment: The patient phenotype is nonspecific, but is consistent with cases described in the literature. This intragenic variant is predicted to cause a frameshift, which alters the protein’s amino acid sequence beginning at exon 33 and leads to a premature termination codon. This alteration is then predicted to lead to a truncated or absent protein. Heterozygous loss of function of the NIPBL gene is an established disease mechanism in autosomal dominant Cornelia de Lange syndrome. In summary, this variant meets criteria to be classified as pathogenic for autosomal dominant Cornelia de Lange syndrome. The ACMG/ClinGen evidence codes and points used in this curation are as follows: 1: 0 points, 2: 0.9 points, 3: 0 points, 4-5: 0.15 points; Total: 1.05 points; Riggs 2020 (PMID: 31690835).